The following is an entry in ClinVar:

NM_005502.4(ABCA1):c.5383-20_5383-19dup

Gene: ABCA1 (ATP binding cassette subfamily A member 1; minus strand). Cytogenetic location: 9q31.1.
Variant type: Duplication.
Coding change: c.5383-20_5383-19dup on transcript NM_005502.4 (MANE Select); 20 bases into the intron before coding-DNA position 5383 through 19 bases into the intron before coding-DNA position 5383, 2 bases duplicated (TT; older notation c.5383-20_5383-19dupTT).
Molecular consequence: intron variant.
Genome position (GRCh38, 1-based): chr9:104,794,513-104,794,514, AA duplicated on the plus strand (TT on the coding strand, the reverse complement: ABCA1 is on the minus strand); duplicating any 2 consecutive bases within chr9:104,794,513-104,794,530 gives the same sequence; the c. name uses the placement nearest the transcript's 3' end. VCF-style (leftmost placement, unchanged base first): chr9-104794512-T-TAA. GRCh37 (hg19) VCF-style: chr9-107556793-T-TAA.
Other names: p.?; c.5383-4_5383-3dup (NM_005502.4).
Identifiers: ClinVar variation 928609 (VCV000928609.6), dbSNP rs77663187, ClinGen allele CA5167846.

ClinVar aggregate classification (germline): Benign/Likely benign. Review status: criteria provided, multiple submitters, no conflicts (2 of 4 stars). 5 submissions from 5 submitters: Benign (4); Likely benign (1). Last evaluated 2025-02-16.

Submissions (5):

Laboratory of Genetics, Children's Clinical University Hospital Latvia
Classification: Benign. Last evaluated: 2025-02-16. Review status: criteria provided, single submitter. Criteria: ACMG Guidelines, 2015. Collection method: clinical testing. Allele origin: germline. Affected: yes.

Blueprint Genetics
Classification: Likely benign. Last evaluated: 2024-11-27. Review status: criteria provided, single submitter. Criteria: ACMG Guidelines, 2015. Collection method: clinical testing. Allele origin: germline.

Mayo Clinic Laboratories, Mayo Clinic
Classification: Benign. Last evaluated: 2021-07-26. Review status: criteria provided, single submitter. Criteria: ACMG Guidelines, 2015. Collection method: clinical testing. Allele origin: germline. Observed: 546 variant alleles.

Women's Health and Genetics/Laboratory Corporation of America, LabCorp
Classification: Benign. Last evaluated: 2019-09-16. Review status: criteria provided, single submitter. Criteria: LabCorp Variant Classification Summary - May 2015. Collection method: clinical testing. Allele origin: germline.
Comment: Variant summary: ABCA1 c.5383-4_5383-3dupTT elongates a thymidine-tract located close to a canonical splice site and therefore could affect mRNA splicing, leading to a significantly altered protein sequence. 5/5 computational tools predict no significant impact on normal splicing. However, these predictions have yet to be confirmed by functional studies. The variant allele was found at a frequency of 0.15 in 72042 control chromosomes in the gnomAD database (exomes dataset), including 1706 homozygotes. The observed variant frequency is approximately 12,000-fold of the estimated maximal expected allele frequency for a pathogenic variant in ABCA1 causing Early Onset Coronary Artery Disease phenotype (1.3e-05), strongly suggesting that the variant is benign. No clinical diagnostic laboratories have submitted clinical-significance assessments for this variant to ClinVar after 2014. Based on the evidence outlined above, the variant was classified as benign.

GeneDx
Classification: Benign. Last evaluated: 2019-08-06. Review status: criteria provided, single submitter. Criteria: GeneDx Variant Classification Process June 2021. Collection method: clinical testing. Allele origin: germline. Affected: yes.